The following is an entry in ClinVar:

NM_024649.5(BBS1):c.1181-6C>T

Genes: BBS1 (Bardet-Biedl syndrome 1; plus strand), ZDHHC24 (zDHHC palmitoyltransferase 24; minus strand). Cytogenetic location: 11q13.2.
Variant type: single nucleotide variant.
Coding change: c.1181-6C>T on transcript NM_024649.5 (MANE Select); 6 bases into the intron before coding-DNA position 1181, C replaced by T.
Molecular consequence: intron variant.
Genome position (GRCh38, 1-based): chr11:66,526,643, C>T. VCF-style: chr11-66526643-C-T. GRCh37 (hg19) VCF-style: chr11-66294114-C-T.
Other names: c.*21+293G>A (NM_001348571.2).
Identifiers: ClinVar variation 703412 (VCV000703412.52), dbSNP rs368445790, ClinGen allele CA6123668.

ClinVar aggregate classification (germline): Likely benign. Review status: criteria provided, single submitter (1 of 4 stars). 3 submissions from 3 submitters: Likely benign (1). 2 of the submissions do not count toward it. Last evaluated 2024-05-01.

Conditions:
Bardet-Biedl syndrome (BBS). Identifiers: Orphanet 110, MedGen C0752166, MONDO:0015229.
Bardet-Biedl syndrome 1 (BBS1). Identifiers: MedGen C2936862, MONDO:0008854, OMIM 209900. Disease mechanism: loss of function.
BBS1-related disorder. Also called: BBS1-related condition.

Allele frequency attached by ClinVar (database versions not stated): gnomAD exomes 0.00001; ExAC 0.00002; ESP Exome Variant Server 0.00008.
gnomAD v4.1: 3 of 1,614,184 alleles (0.00019%); highest among the groups gnomAD compares: Middle Eastern, 0.033%; no homozygotes.

Submissions (3):

Labcorp Genetics (formerly Invitae), Labcorp
Classification: Likely benign for Bardet-Biedl syndrome. Last evaluated: 2024-05-01. Review status: criteria provided, single submitter. Criteria: Invitae Variant Classification Sherloc (09022015). Collection method: clinical testing. Allele origin: germline.

PreventionGenetics, part of Exact Sciences
Classification: Likely benign for BBS1-related condition. Last evaluated: 2022-11-14. Review status: no assertion criteria provided. Collection method: clinical testing. Allele origin: germline. Not counted in ClinVar's aggregate classification.
Comment: This variant is classified as likely benign based on ACMG/AMP sequence variant interpretation guidelines (Richards et al. 2015 PMID: 25741868, with internal and published modifications).

Natera, Inc.
Classification: Uncertain significance for Bardet-Biedl syndrome type 1. Last evaluated: 2020-03-10. Review status: no assertion criteria provided. Collection method: clinical testing. Allele origin: germline. Not counted in ClinVar's aggregate classification.